The following is an entry in ClinVar:

ClinVar aggregate classification (germline): Uncertain significance. Review status: criteria provided, multiple submitters, no conflicts (2 of 4 stars). 2 submissions from 2 submitters: Uncertain significance (2). Last evaluated 2025-12-18.

Conditions:
Familial sleep-related hypermotor epilepsy. Also called: Autosomal Dominant Sleep-Related Hypermotor (Hyperkinetic) Epilepsy. Identifiers: Orphanet 98784, MedGen C3696898, MONDO:0000030.

gnomAD v4.1: 3 of 1,614,160 alleles (0.00019%); highest among the groups gnomAD compares: South Asian, 0.0022%; no homozygotes.

Submissions (2):

Labcorp Genetics (formerly Invitae), Labcorp
Classification: Uncertain significance. Last evaluated: 2025-12-18. Review status: criteria provided, single submitter. Criteria: Invitae Variant Classification Sherloc (09022015). Collection method: clinical testing. Allele origin: germline.
Comment: This sequence change affects codon 168 of the CHRNA2 mRNA. It is a 'silent' change, meaning that it does not change the encoded amino acid sequence of the CHRNA2 protein. This variant is present in population databases (no rsID available, gnomAD 0.003%). This variant has not been reported in the literature in individuals affected with CHRNA2-related conditions. ClinVar contains an entry for this variant (Variation ID: 3392952). Algorithms developed to predict the effect of sequence changes on RNA splicing suggest that this variant may disrupt the consensus splice site. In summary, the available evidence is currently insufficient to determine the role of this variant in disease. Therefore, it has been classified as a Variant of Uncertain Significance.

GeneDx
Classification: Uncertain significance. Last evaluated: 2024-06-27. Review status: criteria provided, single submitter. Criteria: GeneDx Variant Classification Process June 2021. Collection method: clinical testing. Allele origin: germline. Affected: yes.
Comment: Not observed at significant frequency in large population cohorts (gnomAD); In silico analysis suggests this variant may impact gene splicing. In the absence of RNA/functional studies, the actual effect of this sequence change is unknown.; Has not been previously published as pathogenic or benign to our knowledge

NM_000742.4(CHRNA2):c.504G>A (p.Thr168=)

Gene: CHRNA2 (cholinergic receptor nicotinic alpha 2 subunit; minus strand). Cytogenetic location: 8p21.2.
Variant type: single nucleotide variant.
Coding change: c.504G>A on transcript NM_000742.4 (MANE Select); coding-DNA position 504, G replaced by A.
Protein change: p.Thr168=; no amino-acid change (threonine 168 retained).
Molecular consequence: synonymous variant. On other transcripts: intron variant (2).
Genome position (GRCh38, 1-based): chr8:27,463,939, C>T on the plus strand (G>A on the coding strand, the complement: CHRNA2 is on the minus strand). VCF-style: chr8-27463939-C-T. GRCh37 (hg19) VCF-style: chr8-27321456-C-T.
Other names: c.459G>A, p.Thr153= (NM_001282455.2); c.27G>A, p.Thr9= (NM_001347705.2, NM_001347706.2); c.-12-79G>A (NM_001347708.2); c.-9-82G>A (NM_001347707.2).
Identifiers: ClinVar variation 3392952 (VCV003392952.2).